The following is an entry in ClinVar:

NM_005670.4(EPM2A):c.476+92C>T

Gene: EPM2A (EPM2A glucan phosphatase, laforin; minus strand). Cytogenetic location: 6q24.3.
Variant type: single nucleotide variant.
Coding change: c.476+92C>T on transcript NM_005670.4 (MANE Select); 92 bases into the intron after coding-DNA position 476, C replaced by T.
Molecular consequence: intron variant.
Genome position (GRCh38, 1-based): chr6:145,686,030, G>A on the plus strand (C>T on the coding strand, the complement: EPM2A is on the minus strand). VCF-style: chr6-145686030-G-A. GRCh37 (hg19) VCF-style: chr6-146007166-G-A.
Other names: c.62+92C>T (NM_001360064.2, NM_001368131.1, NM_001360071.2); c.476+92C>T (NM_001360057.2, NM_001018041.2, NM_001368130.1); c.-148+92C>T (NM_001368129.2, NM_001368132.1).
Identifiers: ClinVar variation 670732 (VCV000670732.1), dbSNP rs702322, ClinGen allele CA12378998.

ClinVar aggregate classification (germline): Benign (1 of 4 stars; one submission).

Allele frequency attached by ClinVar (database versions not stated): gnomAD exomes 0.68125; gnomAD 0.72447 and 0.72902; 1000 Genomes Project 0.73582; 1000 Genomes Project 30x 0.74235; TOPMed 0.74743.
gnomAD v4.1: 774,974 of 1,126,908 alleles (69%); highest among the groups gnomAD compares: Admixed American, 82%; 269,478 homozygotes.

Submission:

GeneDx
Classification: Benign. Last evaluated: 2018-06-14. Review status: criteria provided, single submitter. Criteria: GeneDx Variant Classification (06012015). Collection method: clinical testing. Allele origin: germline. Affected: yes.
Comment: This variant is considered likely benign or benign based on one or more of the following criteria: it is a conservative change, it occurs at a poorly conserved position in the protein, it is predicted to be benign by multiple in silico algorithms, and/or has population frequency not consistent with disease.